The following is an entry in ClinVar:

NM_006231.4(POLE):c.1924C>A (p.Pro642Thr)

Gene: POLE (DNA polymerase epsilon, catalytic subunit; minus strand). Cytogenetic location: 12q24.33.
Variant type: single nucleotide variant.
Coding change: c.1924C>A on transcript NM_006231.4 (MANE Select); coding-DNA position 1924, C replaced by A.
Protein change: p.Pro642Thr; replaces proline 642 with threonine.
Molecular consequence: missense variant.
Genome position (GRCh38, 1-based): chr12:132,668,737, G>T on the plus strand (C>A on the coding strand, the complement: POLE is on the minus strand). VCF-style: chr12-132668737-G-T. GRCh37 (hg19) VCF-style: chr12-133245323-G-T.
Other names: short protein forms P642T.
Identifiers: ClinVar variation 473497 (VCV000473497.12), dbSNP rs1178412345, ClinGen allele CA387355253.

ClinVar aggregate classification (germline): Uncertain significance. Review status: criteria provided, multiple submitters, no conflicts (2 of 4 stars). 3 submissions from 3 submitters: Uncertain significance (3). Last evaluated 2024-04-05.

Conditions:
Facial dysmorphism-immunodeficiency-livedo-short stature syndrome. Also called: Facial dysmorphism, immunodeficiency, livedo, and short stature; FILS syndrome. Identifiers: Orphanet 352712, MedGen C3554576, MONDO:0014058, OMIM 615139.
Intrauterine growth retardation, metaphyseal dysplasia, adrenal hypoplasia congenita, genital anomalies, and immunodeficiency. Also called: IMAGEI SYNDROME. Identifiers: MedGen C5193036, MONDO:0032684, OMIM 618336.
Colorectal cancer, susceptibility to, 12 (CRCS12). Also called: COLORECTAL CANCER, SUSCEPTIBILITY TO, ON CHROMOSOME 12q24. Identifiers: Orphanet 220460, MedGen C3554460, MONDO:0014038, OMIM 615083.
Hereditary cancer-predisposing syndrome. Also called: Neoplastic Syndromes, Hereditary; Tumor predisposition; Hereditary Cancer Syndrome; Hereditary neoplastic syndrome. Identifiers: Orphanet 140162, MedGen C0027672, MeSH D009386, MONDO:0015356.

Allele frequency attached by ClinVar (database versions not stated): gnomAD exomes below 0.00001 and 0.00003; TOPMed below 0.00001.

Submissions (3):

Labcorp Genetics (formerly Invitae), Labcorp
Classification: Uncertain significance. Last evaluated: 2024-04-05. Review status: criteria provided, single submitter. Criteria: Invitae Variant Classification Sherloc (09022015). Collection method: clinical testing. Allele origin: germline.
Comment: This sequence change replaces proline, which is neutral and non-polar, with threonine, which is neutral and polar, at codon 642 of the POLE protein (p.Pro642Thr). This variant is present in population databases (no rsID available, gnomAD 0.0009%). This variant has not been reported in the literature in individuals affected with POLE-related conditions. ClinVar contains an entry for this variant (Variation ID: 473497). An algorithm developed to predict the effect of missense changes on protein structure and function (PolyPhen-2) suggests that this variant is likely to be disruptive. In summary, the available evidence is currently insufficient to determine the role of this variant in disease. Therefore, it has been classified as a Variant of Uncertain Significance.

Ambry Genetics
Classification: Uncertain significance for Hereditary cancer-predisposing syndrome. Last evaluated: 2022-09-21. Review status: criteria provided, single submitter. Criteria: Ambry Variant Classification Scheme 2023. Collection method: clinical testing. Allele origin: germline.
Comment: The p.P642T variant (also known as c.1924C>A) is located in coding exon 18 of the POLE gene. The proline at codon 642 is replaced by threonine, an amino acid with highly similar properties. This change occurs in the first base pair of coding exon 18. This amino acid position is conserved. In addition, the in silico prediction for this alteration is inconclusive. Since supporting evidence is limited at this time, the clinical significance of this alteration remains unclear.

Department of Pathology and Laboratory Medicine, Sinai Health System
Classification: Uncertain significance for Colorectal cancer, susceptibility to, 12; Facial dysmorphism-immunodeficiency-livedo-short stature syndrome; Intrauterine growth retardation, metaphyseal dysplasia, adrenal hypoplasia congenita, genital anomalies, and immunodeficiency. Last evaluated: 2021-07-30. Review status: criteria provided, single submitter. Criteria: ACMG Guidelines, 2015. Collection method: research. Allele origin: germline.